The following is an entry in ClinVar:

ClinVar aggregate classification (germline): Benign/Likely benign. Review status: criteria provided, multiple submitters, no conflicts (2 of 4 stars). 4 submissions from 4 submitters: Benign (1); Likely benign (3). Last evaluated 2024-08-12.

Conditions:
Familial adenomatous polyposis 1 (FAP1). Also called: POLYPOSIS, ADENOMATOUS INTESTINAL; FAMILIAL ADENOMATOUS POLYPOSIS 1, ATTENUATED. Identifiers: MedGen C2713442, MONDO:0021056, OMIM 175100. Disease mechanism: loss of function.
Hereditary cancer-predisposing syndrome. Also called: Hereditary Cancer Syndrome; Neoplastic Syndromes, Hereditary; Tumor predisposition; Hereditary neoplastic syndrome. Identifiers: Orphanet 140162, MedGen C0027672, MeSH D009386, MONDO:0015356.

Allele frequency attached by ClinVar (database versions not stated): gnomAD exomes 0.00001.
gnomAD v4.1: 5 of 1,614,146 alleles (0.00031%); highest among the groups gnomAD compares: Non-Finnish European, 0.00042%; no homozygotes.

Submissions (4):

Labcorp Genetics (formerly Invitae), Labcorp
Classification: Likely benign for Familial adenomatous polyposis 1. Last evaluated: 2024-08-12. Review status: criteria provided, single submitter. Criteria: Invitae Variant Classification Sherloc (09022015). Collection method: clinical testing. Allele origin: germline.

Myriad Genetics, Inc.
Classification: Benign for Familial adenomatous polyposis 1. Last evaluated: 2024-03-22. Review status: criteria provided, single submitter. Criteria: Myriad Autosomal Dominant, Autosomal Recessive and X-Linked Classification Criteria (2023). Collection method: clinical testing. Allele origin: unknown.
Comment: This variant is considered benign. This variant is a silent/synonymous amino acid change and it is not expected to impact splicing.

Ambry Genetics
Classification: Likely benign for Hereditary cancer-predisposing syndrome. Last evaluated: 2020-07-25. Review status: criteria provided, single submitter. Criteria: Ambry Variant Classification Scheme 2023. Collection method: clinical testing. Allele origin: germline.

Color Diagnostics, LLC DBA Color Health
Classification: Likely benign for Hereditary cancer-predisposing syndrome. Last evaluated: 2016-06-15. Review status: criteria provided, single submitter. Criteria: ACMG Guidelines, 2015. Collection method: clinical testing. Allele origin: germline.

NM_000038.6(APC):c.3822T>C (p.Cys1274=)

Gene: APC (APC regulator of Wnt signaling pathway; plus strand). Cytogenetic location: 5q22.2.
Variant type: single nucleotide variant.
Coding change: c.3822T>C on transcript NM_000038.6 (MANE Select); coding-DNA position 3822, T replaced by C.
Protein change: p.Cys1274=; no amino-acid change (cysteine 1274 retained).
Molecular consequence: synonymous variant.
Genome position (GRCh38, 1-based): chr5:112,839,416, T>C. VCF-style: chr5-112839416-T-C. GRCh37 (hg19) VCF-style: chr5-112175113-T-C.
Other names: c.3822T>C, p.Cys1274= (NM_001127510.3, NM_001354895.2); c.3768T>C, p.Cys1256= (NM_001127511.3); c.3876T>C, p.Cys1292= (NM_001354896.2); c.3852T>C, p.Cys1284= (NM_001354897.2); c.3747T>C, p.Cys1249= (NM_001354898.2); c.3738T>C, p.Cys1246= (NM_001354899.2); c.3699T>C, p.Cys1233= (NM_001354900.2); c.3645T>C, p.Cys1215= (NM_001354901.2); and 5 more.
Identifiers: ClinVar variation 490269 (VCV000490269.17), dbSNP rs1554085326, ClinGen allele CA445963718.